The following continues an entry in ClinVar:

NM_000492.4(CFTR):c.2249C>T (p.Pro750Leu)

Gene: CFTR. ClinVar aggregate classification (germline): Conflicting classifications of pathogenicity. Pathogenic (5); Likely pathogenic (23); Uncertain significance (4).

Submissions 15 to 34 of 35:

CeGaT Center for Human Genetics Tuebingen
Classification: Pathogenic. Last evaluated: 2024-10-01. Review status: criteria provided, single submitter. Criteria: CeGaT Center For Human Genetics Tuebingen Variant Classification Criteria Version 2. Collection method: clinical testing. Allele origin: germline. Affected: yes. Observed: 1 variant allele.
Comment: CFTR: PM3:Very Strong, PM2:Supporting, PS3:Supporting

Baylor Genetics
Classification: Likely pathogenic for Bronchiectasis with or without elevated sweat chloride 1. Last evaluated: 2024-03-30. Review status: criteria provided, single submitter. Criteria: ACMG Guidelines, 2015. Collection method: clinical testing. Allele origin: unknown.

Fulgent Genetics
Classification: Uncertain significance for Hereditary pancreatitis; Bronchiectasis with or without elevated sweat chloride 1; Cystic fibrosis; Congenital bilateral aplasia of vas deferens from CFTR mutation. Last evaluated: 2024-02-12. Review status: criteria provided, single submitter. Criteria: ACMG Guidelines, 2015. Collection method: clinical testing. Allele origin: germline.

Pittsburgh Clinical Genomics Laboratory, University of Pittsburgh Medical Center
Classification: Likely pathogenic for Cystic fibrosis. Last evaluated: 2024-01-24. Review status: criteria provided, single submitter. Criteria: ACMG Guidelines, 2015. Collection method: clinical testing. Allele origin: germline. Inheritance: Autosomal recessive inheritance. Affected: yes.
Comment: This sequence variant is a single nucleotide substitution (C>T) at position 2249 of the coding sequence of the CFTR gene that results in a proline to leucine amino acid change at residue 750 of the CF transmembrane conductance regulator protein. This residue falls in the regulator domain of the protein (UniProt). This is a previously reported variant (ClinVar 53460) that has been observed in individuals affected by cystic fibrosis (PMID: 10798368, 17481968), congenital absence of vas deferens (PMID: 35109852, 14998948, 22483971, 23076339), and other CFTR-related phenotypes (PMID: 16189704, 20846557, 27728908). Additionally, it was found as compound heterozygous with the p.Phe508del allele in two sisters that were essentially free of CFTR-related phenotypes, suggesting that this allele may not be related to disease or have low penetrance (Bernat 2017, Journal of Pulmonary Medicine and Respiratory Research). This variant is present in 130 of 402128 alleles (0.0323%) in the gnomAD population dataset. Multiple bioinformatic tools predict that this proline to leucine amino acid change would be neutral, and the Pro750 residue at this position is highly conserved across the vertebrate species examined. Studies examining the functional consequence of this variant indicate that it reduces activity to about 50% of wild-type protein (PMID: 29805046, 30888834). Based upon the evidence, we consider this variant to be likely pathogenic, though it may be an allele with low penetrance. ACMG Criteria: PM2, PM3, PS3, PS4

Genome-Nilou Lab
Classification: Likely pathogenic for Cystic fibrosis. Last evaluated: 2021-07-22. Review status: criteria provided, single submitter. Criteria: ACMG Guidelines, 2015. Collection method: clinical testing. Allele origin: germline. Affected: no.

Genome-Nilou Lab
Classification: Likely pathogenic for Congenital bilateral aplasia of vas deferens from CFTR mutation. Last evaluated: 2021-07-22. Review status: criteria provided, single submitter. Criteria: ACMG Guidelines, 2015. Collection method: clinical testing. Allele origin: germline. Affected: no.

Sema4
Classification: Likely pathogenic for Hereditary pancreatitis. Last evaluated: 2021-03-17. Review status: criteria provided, single submitter. Criteria: Sema4 Curation Guidelines. Collection method: curation. Allele origin: germline.
Comment: The CFTR c.2249C>T (p.P750L) has been reported as compound heterozygous in numerous individuals with cystic fibrosis and in at least one individual with congenital bilateral absence of vas deferens (PMID: 10798368, 28830496, 27728908, 23076339, 16189704, 17481968, 16963320, 22483971). Functional studies have shown that this variant reduces CFTR protein function in CF bronchial epithelial (CFBE) cells (PMID: 29805046). This variant was observed in 74/128492 chromosomes in the Non-Finnish European population, with 0 homozygotes, according to the Genome Aggregation Database (PMID: 32461654). This variant has been reported in ClinVar (Variation ID: 53460). In silico tools suggest the impact of the variant on protein function is inconclusive. Based on the current evidence available, this variant is interpreted as likely pathogenic.

Genome Diagnostics Laboratory, The Hospital for Sick Children
Classification: Uncertain significance for Cystic fibrosis. Last evaluated: 2020-06-12. Review status: criteria provided, single submitter. Criteria: ACMG Guidelines, 2015. Collection method: clinical testing. Allele origin: germline.

Mayo Clinic Laboratories, Mayo Clinic
Classification: Likely pathogenic. Last evaluated: 2020-03-13. Review status: criteria provided, single submitter. Criteria: ACMG Guidelines, 2015. Collection method: clinical testing. Allele origin: germline.

Johns Hopkins Genomics, Johns Hopkins University
Classification: Likely pathogenic for Cystic fibrosis. Last evaluated: 2020-01-07. Review status: criteria provided, single submitter. Criteria: ACMG Guidelines, 2015. Collection method: clinical testing. Allele origin: germline.
Comment: CFTR variant associated with variable clinical consequences. See CFTR2 for phenotype information.

Illumina Laboratory Services, Illumina
Classification: Likely pathogenic for CFTR-Related Disorders. Last evaluated: 2018-11-30. Review status: criteria provided, single submitter. Criteria: ICSL Variant Classification Criteria 09 May 2019. Collection method: clinical testing. Allele origin: germline.
Comment: The CFTR c.2249C>T (p.Pro750Leu) missense variant has been reported in three studies and in a total of three patients with CFTR-related disorders, all in a compound heterozygous state (Orozco et al. 2000; Storm et al. 2007; Li et al. 2012). Phenotypes included cystic fibrosis including pancreatic insufficiency, classic CF, and congenital absence of the vas deferens and the variant on the second allele was p.Phe508del in at least two of the patients. Control data are unavailable for this variant, which is reported at a frequency of 0.0007 in the European American population of the Exome Sequencing Project. Based on the evidence, the p.Pro750Leu variant is classified as likely pathogenic for CFTR-related disorders. This variant was observed by ICSL as part of a predisposition screen in an ostensibly healthy population.

Mendelics
Classification: Likely pathogenic for Cystic fibrosis. Last evaluated: 2018-11-05. Review status: criteria provided, single submitter. Criteria: Mendelics Assertion Criteria 2017. Collection method: clinical testing. Allele origin: unknown. Affected: yes.

CFTR-France
Classification: Pathogenic for CFTR-related disorders. Last evaluated: 2018-01-29. Review status: criteria provided, single submitter. Criteria: Claustres M et al. (Hum Mutat 2017). Collection method: curation. Allele origin: germline. Affected: yes.

Eurofins Ntd Llc (ga)
Classification: Uncertain significance. Last evaluated: 2017-11-07. Review status: criteria provided, single submitter. Criteria: EGL Classification Definitions 2015. Collection method: clinical testing. Allele origin: germline. Observed: 3 variant alleles, 3 heterozygotes.

Center for Pediatric Genomic Medicine, Children's Mercy Hospital and Clinics
Classification: Likely pathogenic. Last evaluated: 2014-11-13. Review status: criteria provided, single submitter. Criteria: ACMG Guidelines, 2015. Collection method: clinical testing. Allele origin: germline.

Baylor Genetics
Classification: Likely pathogenic for Cystic fibrosis. Review status: criteria provided, single submitter. Criteria: ACMG Guidelines, 2015. Collection method: clinical testing. Allele origin: unknown.

Juno Genomics, Hangzhou Juno Genomics, Inc
Classification: Pathogenic for Congenital bilateral aplasia of vas deferens from CFTR mutation; Cystic fibrosis. Review status: criteria provided, single submitter. Criteria: ACMG Guidelines, 2015. Collection method: clinical testing. Allele origin: germline.
Comment: Absent from controls (or at extremely low frequency if recessive) in Genome Aggregation Database.;Well-established in vitro or in vivo functional studies supportive of a damaging effect on the gene or gene product.;For recessive disorders, detected in trans with a pathogenic variant.

Rady Children's Institute for Genomic Medicine, Rady Children's Hospital San Diego
Classification: Likely pathogenic for CFTR-Related Disorders. Review status: criteria provided, single submitter. Criteria: ACMG Guidelines, 2015. Collection method: clinical testing. Allele origin: germline. Affected: yes.
Comment: The p.Pro750Leu variant has been reported in the literature in multiple individuals with CFTR-related disease with highly variable disease presentations and severity. The p.Pro750Leu variant has been reported in trans (compound heterozygous) with the common p.Phe508del variant in an individual with a severe, early onset, Cystic Fibrosis (CF) phenotype (PMID 10798368). However, the p.Pro750Leu/p.Phe508del genotype has also been reported in some individuals with moderate or mild symptoms (Bernat 2017; PMID: 23076339). In addition, the p.Pro750Leu variant has been reported in trans with other CF-causing pathogenic variants in individuals with congenital bilateral absence of vas deferens (CBAVD) (PMID: 22483971, 35109852), and mild CF-related disease (PMID: 16189704). The p.Pro750Leu variant was reported alone with no second CF-causing variant in an individual with multiple indeterminate sweat chloride tests, chronic constipation, and poor weight gain in early childhood, who later developed chronic productive cough, sinusitis, mild bronchiectasis, lung function decline, and positive respiratory cultures for classic microorganisms of CF (PMID: 30698611). Functional testing has demonstrated the p.Pro750Leu variant protein exhibits approximately 48.6% of wildtype chloride channel activity (PMID: 29805046). The c.2249C>T (p.Pro750Leu) variant is present in the heterozygous state in the gnomAD population database at a frequency of 0.03% (80/281354), and is absent in the homozygous state. The c.2249C>T (p.Pro750Leu) variant affects a moderately conserved amino acid; however, in silico tools used to predict the effect of this variant on protein function yield discordant results. Based on available information, the c.2249C>T (p.Pro750Leu) variant is classified as Likely Pathogenic with varying clinical consequences.

Genome Diagnostics Laboratory, The Hospital for Sick Children
Classification: Likely pathogenic for CFTR-related disorders. Last evaluated: 2020-06-12. Review status: no assertion criteria provided. Collection method: clinical testing. Allele origin: germline. Not counted in ClinVar's aggregate classification.

Counsyl
Classification: Uncertain significance for Cystic fibrosis. Last evaluated: 2017-04-19. Review status: no assertion criteria provided. Collection method: clinical testing. Allele origin: unknown. Not counted in ClinVar's aggregate classification.